The following is an entry in ClinVar:

NM_006303.4(AIMP2):c.172C>T (p.Arg58Cys)

Gene: AIMP2 (aminoacyl tRNA synthetase complex interacting multifunctional protein 2; plus strand). Cytogenetic location: 7p22.1.
Variant type: single nucleotide variant.
Coding change: c.172C>T on transcript NM_006303.4 (MANE Select); coding-DNA position 172, C replaced by T.
Protein change: p.Arg58Cys; replaces arginine 58 with cysteine.
Molecular consequence: missense variant. On other transcripts: 5 prime UTR variant (3), intron variant (1).
Genome position (GRCh38, 1-based): chr7:6,015,182, C>T. VCF-style: chr7-6015182-C-T. GRCh37 (hg19) VCF-style: chr7-6054813-C-T.
Other names: c.52C>T, p.Arg18Cys (NM_001326606.2); c.-63C>T (NM_001326609.2, NM_001326610.2, NM_001326611.3); c.85C>T, p.Arg29Cys (NM_001362785.2); c.40C>T, p.Arg14Cys (NM_001362787.2); c.136-2632C>T (NM_001326607.2); c.172C>T (NM_006303.3); short protein forms R58C, R18C, R14C, R29C.
Identifiers: ClinVar variation 2191051 (VCV002191051.4), dbSNP rs577935179, ClinGen allele CA4150258.

ClinVar aggregate classification (germline): Uncertain significance. Review status: criteria provided, multiple submitters, no conflicts (2 of 4 stars). 2 submissions from 2 submitters: Uncertain significance (2). Last evaluated 2025-08-30.

Conditions:
Inborn genetic diseases. Identifiers: MedGen C0950123, MeSH D030342.

Allele frequency attached by ClinVar (database versions not stated): ExAC 0.00001; TOPMed 0.00002; gnomAD 0.00003.
gnomAD v4.1: 70 of 1,613,988 alleles (0.0043%); highest among the groups gnomAD compares: Non-Finnish European, 0.0056%; no homozygotes.

Submissions (2):

Ambry Genetics
Classification: Uncertain significance for Inborn genetic diseases. Last evaluated: 2025-08-30. Review status: criteria provided, single submitter. Criteria: Ambry Variant Classification Scheme 2023. Collection method: clinical testing. Allele origin: germline.

Labcorp Genetics (formerly Invitae), Labcorp
Classification: Uncertain significance. Last evaluated: 2022-12-19. Review status: criteria provided, single submitter. Criteria: Invitae Variant Classification Sherloc (09022015). Collection method: clinical testing. Allele origin: germline.
Comment: This variant is present in population databases (rs577935179, gnomAD 0.008%). This sequence change replaces arginine, which is basic and polar, with cysteine, which is neutral and slightly polar, at codon 58 of the AIMP2 protein (p.Arg58Cys). This variant has not been reported in the literature in individuals affected with AIMP2-related conditions. Algorithms developed to predict the effect of missense changes on protein structure and function output the following: SIFT: "Deleterious"; PolyPhen-2: "Benign"; Align-GVGD: "Class C25". The cysteine amino acid residue is found in multiple mammalian species, which suggests that this missense change does not adversely affect protein function. In summary, the available evidence is currently insufficient to determine the role of this variant in disease. Therefore, it has been classified as a Variant of Uncertain Significance.